The following is an entry in ClinVar:

NM_001376.5(DYNC1H1):c.4911G>A (p.Leu1637=)

Gene: DYNC1H1 (dynein cytoplasmic 1 heavy chain 1; plus strand). Cytogenetic location: 14q32.31.
Variant type: single nucleotide variant.
Coding change: c.4911G>A on transcript NM_001376.5 (MANE Select); coding-DNA position 4911, G replaced by A.
Protein change: p.Leu1637=; no amino-acid change (leucine 1637 retained).
Molecular consequence: synonymous variant.
Genome position (GRCh38, 1-based): chr14:102,004,545, G>A. VCF-style: chr14-102004545-G-A. GRCh37 (hg19) VCF-style: chr14-102470882-G-A.
Identifiers: ClinVar variation 2716419 (VCV002716419.5), dbSNP rs181705516, ClinGen allele CA7352328.
Genomic context (GRCh38, chr14:102,004,545, plus strand): 5'-ATTTTTGCAACTTGAGTGTTATTTTAATTTTAGGTTCTATTTTGTGGGTGATGAAGATTT[G>A]CTTGAAATCATTGGAAACAGCAAGAATGTCGCTAAATTACAGAAACACTTCAAGAAGATG-3'
Protein context (NP_001367.2, residues 1627-1647): PRFYFVGDED[Leu1637=]LEIIGNSKNV

ClinVar aggregate classification (germline): Likely benign. Review status: criteria provided, single submitter (1 of 4 stars). 2 submissions from 2 submitters: Likely benign (1). 1 of the submissions does not count toward it. Last evaluated 2024-09-14.

Conditions:
Charcot-Marie-Tooth disease axonal type 2O. Also called: CHARCOT-MARIE-TOOTH NEUROPATHY, AXONAL, TYPE 2O; CHARCOT-MARIE-TOOTH DISEASE, AXONAL, AUTOSOMAL DOMINANT, TYPE 2O; Charcot-Marie-Tooth disease, axonal, type 20; Charcot-Marie-Tooth Neuropathy Type 2O. Identifiers: Orphanet 284232, MedGen C3280220, MONDO:0013644, OMIM 614228.
DYNC1H1-related disorder. Also called: DYNC1H1-related condition; DYNC1H1-related disorders. Identifiers: MedGen CN381529.

Allele frequency attached by ClinVar (database versions not stated): gnomAD exomes below 0.00001; gnomAD 0.00001; TOPMed 0.00002; ExAC 0.00005; 1000 Genomes Project 30x 0.00016; 1000 Genomes Project 0.00020.
gnomAD v4.1: 5 of 1,613,452 alleles (0.00031%); highest among the groups gnomAD compares: East Asian, 0.0089%; no homozygotes.

Submissions (2):

Labcorp Genetics (formerly Invitae), Labcorp
Classification: Likely benign for Charcot-Marie-Tooth disease axonal type 2O. Last evaluated: 2024-09-14. Review status: criteria provided, single submitter. Criteria: Invitae Variant Classification Sherloc (09022015). Collection method: clinical testing. Allele origin: germline.

PreventionGenetics, part of Exact Sciences
Classification: Likely benign for DYNC1H1-related condition. Last evaluated: 2020-10-14. Review status: no assertion criteria provided. Collection method: clinical testing. Allele origin: germline. Not counted in ClinVar's aggregate classification.
Comment: This variant is classified as likely benign based on ACMG/AMP sequence variant interpretation guidelines (Richards et al. 2015 PMID: 25741868, with internal and published modifications).